The following is an entry in ClinVar:

NM_000143.4(FH):c.1178C>T (p.Ala393Val)

Gene: FH (fumarate hydratase; minus strand). Cytogenetic location: 1q43.
Variant type: single nucleotide variant.
Coding change: c.1178C>T on transcript NM_000143.4 (MANE Select); coding-DNA position 1178, C replaced by T.
Protein change: p.Ala393Val; replaces alanine 393 with valine.
Molecular consequence: missense variant.
Genome position (GRCh38, 1-based): chr1:241,502,501, G>A on the plus strand (C>T on the coding strand, the complement: FH is on the minus strand). VCF-style: chr1-241502501-G-A. GRCh37 (hg19) VCF-style: chr1-241665801-G-A.
Other names: short protein forms A393V.
Identifiers: ClinVar variation 2753934 (VCV002753934.4), dbSNP rs1455198803, ClinGen allele CA345437410.
Genomic context (GRCh38, chr1:241,502,501, plus strand): 5'-ACCATCATTGGCTTGAAAACATTCAACTCAAAATGTCCATTGCTGCCTCCGACAGTGACA[G>A]CAACATGGTTCCCCATGACTTGGGCTGCAACCATGGTCATTGCTTCACACTGAGTAGGGT-3'
Protein context (NP_000134.2, residues 383-403): VAAQVMGNHV[Ala393Val]VTVGGSNGHF

ClinVar aggregate classification (germline): Conflicting classifications of pathogenicity. Review status: criteria provided, conflicting classifications (1 of 4 stars). 2 submissions from 2 submitters: Likely pathogenic (1); Uncertain significance (1). Last evaluated 2025-10-31.

Conditions:
Hereditary cancer-predisposing syndrome. Also called: Neoplastic Syndromes, Hereditary; Hereditary Cancer Syndrome; Tumor predisposition; Hereditary neoplastic syndrome. Identifiers: Orphanet 140162, MedGen C0027672, MeSH D009386, MONDO:0015356.

Allele frequency attached by ClinVar (database versions not stated): TOPMed below 0.00001; gnomAD 0.00001.
gnomAD v4.1: 1 of 1,613,996 alleles (0.000062%); highest among the groups gnomAD compares: Non-Finnish European, 0.000085%; no homozygotes.

Submissions (2):

Ambry Genetics
Classification: Uncertain significance for Hereditary cancer-predisposing syndrome. Last evaluated: 2025-10-31. Review status: criteria provided, single submitter. Criteria: Ambry Variant Classification Scheme 2023. Collection method: clinical testing. Allele origin: germline.
Comment: The p.A393V variant (also known as c.1178C>T), located in coding exon 8 of the FH gene, results from a C to T substitution at nucleotide position 1178. The alanine at codon 393 is replaced by valine, an amino acid with similar properties. This amino acid position is highly conserved in available vertebrate species. In addition, this alteration is predicted to be deleterious by in silico analysis. Based on the available evidence, the clinical significance of this variant remains unclear.

Labcorp Genetics (formerly Invitae), Labcorp
Classification: Likely pathogenic. Last evaluated: 2023-08-19. Review status: criteria provided, single submitter. Criteria: Invitae Variant Classification Sherloc (09022015). Collection method: clinical testing. Allele origin: germline.
Comment: This variant is not present in population databases (gnomAD no frequency). In summary, the currently available evidence indicates that the variant is pathogenic, but additional data are needed to prove that conclusively. Therefore, this variant has been classified as Likely Pathogenic. This variant disrupts the p.Ala393 amino acid residue in FH. Other variant(s) that disrupt this residue have been determined to be pathogenic (Invitae). This suggests that this residue is clinically significant, and that variants that disrupt this residue are likely to be disease-causing. Advanced modeling of protein sequence and biophysical properties (such as structural, functional, and spatial information, amino acid conservation, physicochemical variation, residue mobility, and thermodynamic stability) performed at Invitae indicates that this missense variant is expected to disrupt FH protein function. This variant has not been reported in the literature in individuals affected with FH-related conditions. This sequence change replaces alanine, which is neutral and non-polar, with valine, which is neutral and non-polar, at codon 393 of the FH protein (p.Ala393Val).